The following is an entry in ClinVar:

NM_133459.4(CCBE1):c.1198G>A (p.Ala400Thr)

Gene: CCBE1 (collagen and calcium binding EGF domains 1; minus strand). Cytogenetic location: 18q21.32.
Variant type: single nucleotide variant.
Coding change: c.1198G>A on transcript NM_133459.4 (MANE Select); coding-DNA position 1198, G replaced by A.
Protein change: p.Ala400Thr; replaces alanine 400 with threonine.
Molecular consequence: missense variant.
Genome position (GRCh38, 1-based): chr18:59,435,931, C>T on the plus strand (G>A on the coding strand, the complement: CCBE1 is on the minus strand). VCF-style: chr18-59435931-C-T. GRCh37 (hg19) VCF-style: chr18-57103163-C-T.
Other names: short protein forms A400T.
Identifiers: ClinVar variation 1463097 (VCV001463097.8), dbSNP rs1437521994, ClinGen allele CA402593762.

ClinVar aggregate classification (germline): Uncertain significance (1 of 4 stars; one submission).

Allele frequency attached by ClinVar (database versions not stated): gnomAD exomes below 0.00001; gnomAD 0.00001.
gnomAD v4.1: 4 of 1,613,982 alleles (0.00025%); highest among the groups gnomAD compares: South Asian, 0.0033%; no homozygotes.

Submission:

Labcorp Genetics (formerly Invitae), Labcorp
Classification: Uncertain significance. Last evaluated: 2023-11-28. Review status: criteria provided, single submitter. Criteria: Invitae Variant Classification Sherloc (09022015). Collection method: clinical testing. Allele origin: germline.
Comment: This sequence change replaces alanine, which is neutral and non-polar, with threonine, which is neutral and polar, at codon 400 of the CCBE1 protein (p.Ala400Thr). This variant is present in population databases (no rsID available, gnomAD no frequency). This variant has not been reported in the literature in individuals affected with CCBE1-related conditions. ClinVar contains an entry for this variant (Variation ID: 1463097). Algorithms developed to predict the effect of missense changes on protein structure and function output the following: SIFT: "Not Available"; PolyPhen-2: "Benign"; Align-GVGD: "Not Available". The threonine amino acid residue is found in multiple mammalian species, which suggests that this missense change does not adversely affect protein function. In summary, the available evidence is currently insufficient to determine the role of this variant in disease. Therefore, it has been classified as a Variant of Uncertain Significance.